The following is an entry in ClinVar:

NM_001267550.2(TTN):c.51229_51230del (p.Thr17077fs)

Genes: TTN (titin; minus strand), TTN-AS1 (TTN antisense RNA 1; plus strand). Cytogenetic location: 2q31.2.
Variant type: Deletion.
Coding change: c.51229_51230del on transcript NM_001267550.2 (MANE Select); coding-DNA positions 51229 to 51230, 2 bases deleted (AC; older notation c.51229_51230delAC).
Protein change: p.Thr17077fs; shifts the reading frame from threonine 17077.
Molecular consequence: frameshift variant.
Genome position (GRCh38, 1-based): chr2:178,610,296-178,610,297, GT deleted on the plus strand (AC on the coding strand, the reverse complement: TTN is on the minus strand). VCF-style (leftmost placement, unchanged base first): chr2-178610295-GGT-G. GRCh37 (hg19) VCF-style: chr2-179475022-GGT-G.
Other names: c.46306_46307del, p.Thr15436fs (NM_001256850.1); c.24034_24035del, p.Thr8012fs (NM_003319.4); c.43525_43526del, p.Thr14509fs (NM_133378.4); c.24409_24410del, p.Thr8137fs (NM_133432.3); c.24610_24611del, p.Thr8204fs (NM_133437.4); short protein forms T8012fs, T8204fs, T17077fs, T15436fs, T8137fs, T14509fs.
Identifiers: ClinVar variation 855618 (VCV000855618.10), dbSNP rs2056008282, ClinGen allele CA916081365.

ClinVar aggregate classification (germline): Likely pathogenic. Review status: criteria provided, multiple submitters, no conflicts (2 of 4 stars). 2 submissions from 2 submitters: Likely pathogenic (2). Last evaluated 2022-12-30.

Conditions:
TTN-related disorder. Also called: TTN-related disorders; TTN-related condition; TTN-related disease.
Dilated cardiomyopathy 1G (CMD1G). Identifiers: Orphanet 154, MedGen C1858763, MONDO:0011400, OMIM 604145.
Autosomal recessive limb-girdle muscular dystrophy type 2J (LGMDR10). Also called: MUSCULAR DYSTROPHY, LIMB-GIRDLE, AUTOSOMAL RECESSIVE 10; Limb-girdle muscular dystrophy, type 2J. Identifiers: Orphanet 140922, MedGen C1837342, MONDO:0012127, OMIM 608807.

Submissions (2):

Blueprint Genetics
Classification: Likely pathogenic for TTN-related disorders. Last evaluated: 2022-12-30. Review status: criteria provided, single submitter. Criteria: ACMG Guidelines, 2015. Collection method: clinical testing. Allele origin: germline. Affected: yes. Observed: 1 variant allele.

Labcorp Genetics (formerly Invitae), Labcorp
Classification: Likely pathogenic for Dilated cardiomyopathy 1G; Autosomal recessive limb-girdle muscular dystrophy type 2J. Last evaluated: 2022-10-11. Review status: criteria provided, single submitter. Criteria: Invitae Variant Classification Sherloc (09022015). Collection method: clinical testing. Allele origin: germline.
Comment: In summary, the currently available evidence indicates that the variant is pathogenic, but additional data are needed to prove that conclusively. Therefore, this variant has been classified as Likely Pathogenic. This variant is located in the A band of TTN (PMID: 25589632). Truncating variants in this region are significantly overrepresented in patients affected with dilated cardiomyopathy (PMID: 25589632). Truncating variants in this region have also been reported in individuals affected with autosomal recessive centronuclear myopathy (PMID: 23975875). ClinVar contains an entry for this variant (Variation ID: 855618). This variant has not been reported in the literature in individuals affected with TTN-related conditions. This variant is not present in population databases (gnomAD no frequency). This sequence change creates a premature translational stop signal (p.Thr17077Profs*24) in the TTN gene. While this is not anticipated to result in nonsense mediated decay, it is expected to create a truncated TTN protein.

Literature cited by the submitters: PubMed 25589632 (cited by Labcorp Genetics (formerly Invitae), Labcorp); PubMed 23975875 (cited by Labcorp Genetics (formerly Invitae), Labcorp).